The following is an entry in ClinVar:

ClinVar aggregate classification (germline): Uncertain significance (1 of 4 stars; one submission).

Conditions:
Epileptic encephalopathy. Identifiers: MedGen C0543888, HP:0200134.

Submission:

Labcorp Genetics (formerly Invitae), Labcorp
Classification: Uncertain significance for Epileptic encephalopathy. Last evaluated: 2019-05-20. Review status: criteria provided, single submitter. Criteria: Invitae Variant Classification Sherloc (09022015). Collection method: clinical testing. Allele origin: germline.
Comment: In summary, the available evidence is currently insufficient to determine the role of this variant in disease. Therefore, it has been classified as a Variant of Uncertain Significance. Algorithms developed to predict the effect of missense changes on protein structure and function are either unavailable or do not agree on the potential impact of this missense change (SIFT: "Deleterious"; PolyPhen-2: "Probably Damaging"; Align-GVGD: "Class C0"). This variant has not been reported in the literature in individuals with RYR3-related conditions. This variant is not present in population databases (ExAC no frequency). This sequence change replaces asparagine with histidine at codon 3380 of the RYR3 protein (p.Asn3380His). The asparagine residue is highly conserved and there is a small physicochemical difference between asparagine and histidine.

NM_001036.6(RYR3):c.10138A>C (p.Asn3380His)

Gene: RYR3 (ryanodine receptor 3; plus strand). Cytogenetic location: 15q14.
Variant type: single nucleotide variant.
Coding change: c.10138A>C on transcript NM_001036.6 (MANE Select); coding-DNA position 10138, A replaced by C.
Protein change: p.Asn3380His; replaces asparagine 3380 with histidine.
Molecular consequence: missense variant.
Genome position (GRCh38, 1-based): chr15:33,810,590, A>C. VCF-style: chr15-33810590-A-C. GRCh37 (hg19) VCF-style: chr15-34102791-A-C.
Other names: c.10123A>C, p.Asn3375His (NM_001243996.4); short protein forms N3380H, N3375H.
Identifiers: ClinVar variation 944505 (VCV000944505.9), dbSNP rs2076471810, ClinGen allele CA391581910.